The following is an entry in ClinVar:

NM_006904.7(PRKDC):c.8886A>C (p.Arg2962Ser)

Gene: PRKDC (protein kinase, DNA-activated, catalytic subunit; minus strand). Cytogenetic location: 8q11.21.
Variant type: single nucleotide variant.
Coding change: c.8886A>C on transcript NM_006904.7 (MANE Select); coding-DNA position 8886, A replaced by C.
Protein change: p.Arg2962Ser; replaces arginine 2962 with serine.
Molecular consequence: missense variant.
Genome position (GRCh38, 1-based): chr8:47,823,894, T>G on the plus strand (A>C on the coding strand, the complement: PRKDC is on the minus strand). VCF-style: chr8-47823894-T-G. GRCh37 (hg19) VCF-style: chr8-48736455-T-G.
Other names: c.8886A>C, p.Arg2962Ser (NM_001081640.2); short protein forms R2962S.
Identifiers: ClinVar variation 3425343 (VCV003425343.1).

ClinVar aggregate classification (germline): Uncertain significance (1 of 4 stars; one submission).

Submission:

Ambry Genetics
Classification: Uncertain significance. Last evaluated: 2024-09-30. Review status: criteria provided, single submitter. Criteria: Ambry Variant Classification Scheme 2023. Collection method: clinical testing. Allele origin: germline.
Comment: The p.R2962S variant (also known as c.8886A>C), located in coding exon 64 of the PRKDC gene, results from an A to C substitution at nucleotide position 8886. The arginine at codon 2962 is replaced by serine, an amino acid with dissimilar properties. This amino acid position is conserved. In addition, the in silico prediction for this alteration is inconclusive. Based on the available evidence, the clinical significance of this variant remains unclear.